The following is an entry in ClinVar:

ClinVar aggregate classification (germline): Uncertain significance (1 of 4 stars; one submission).

Conditions:
Beckwith-Wiedemann syndrome (BWS). Also called: Exomphalos macroglossia gigantism syndrome; EMG SYNDROME. Identifiers: Orphanet 116, MedGen C0004903, MONDO:0007534, OMIM 130650.

Submission:

Labcorp Genetics (formerly Invitae), Labcorp
Classification: Uncertain significance for Beckwith-Wiedemann syndrome. Last evaluated: 2022-09-14. Review status: criteria provided, single submitter. Criteria: Invitae Variant Classification Sherloc (09022015). Collection method: clinical testing. Allele origin: germline.
Comment: This sequence change replaces glycine, which is neutral and non-polar, with alanine, which is neutral and non-polar, at codon 269 of the CDKN1C protein (p.Gly269Ala). This variant is not present in population databases (gnomAD no frequency). This variant has not been reported in the literature in individuals affected with CDKN1C-related conditions. Advanced modeling of protein sequence and biophysical properties (such as structural, functional, and spatial information, amino acid conservation, physicochemical variation, residue mobility, and thermodynamic stability) performed at Invitae indicates that this missense variant is not expected to disrupt CDKN1C protein function. In summary, the available evidence is currently insufficient to determine the role of this variant in disease. Therefore, it has been classified as a Variant of Uncertain Significance.

NM_001122630.2(CDKN1C):c.773G>C (p.Gly258Ala)

Gene: CDKN1C (cyclin dependent kinase inhibitor 1C; minus strand). Cytogenetic location: 11p15.4.
Variant type: single nucleotide variant.
Coding change: c.773G>C on transcript NM_001122630.2 (MANE Select); coding-DNA position 773, G replaced by C.
Protein change: p.Gly258Ala; replaces glycine 258 with alanine.
Molecular consequence: missense variant. On other transcripts: intron variant (1).
Genome position (GRCh38, 1-based): chr11:2,884,684, C>G on the plus strand (G>C on the coding strand, the complement: CDKN1C is on the minus strand). VCF-style: chr11-2884684-C-G. GRCh37 (hg19) VCF-style: chr11-2905914-C-G.
Other names: c.806G>C, p.Gly269Ala (NM_000076.2, NM_001362474.2); c.773G>C, p.Gly258Ala (NM_001122631.2); c.255+518G>C (NM_001362475.2); short protein forms G258A, G269A.
Identifiers: ClinVar variation 1719433 (VCV001719433.5), dbSNP rs2494383194, ClinGen allele CA379145540.